The following is an entry in ClinVar:

NM_004260.4(RECQL4):c.561T>G (p.Asp187Glu)

Gene: RECQL4 (RecQ like helicase 4; minus strand). Cytogenetic location: 8q24.3.
Variant type: single nucleotide variant.
Coding change: c.561T>G on transcript NM_004260.4 (MANE Select); coding-DNA position 561, T replaced by G.
Protein change: p.Asp187Glu; replaces aspartic acid 187 with glutamic acid.
Molecular consequence: missense variant.
Genome position (GRCh38, 1-based): chr8:144,516,558, A>C on the plus strand (T>G on the coding strand, the complement: RECQL4 is on the minus strand). VCF-style: chr8-144516558-A-C. GRCh37 (hg19) VCF-style: chr8-145741942-A-C.
Other names: short protein forms D187E.
Identifiers: ClinVar variation 1063124 (VCV001063124.3), dbSNP rs2130726467, ClinGen allele CA372691026.

ClinVar aggregate classification (germline): Uncertain significance (1 of 4 stars; one submission).

Conditions:
Baller-Gerold syndrome (BGS). Also called: CRANIOSYNOSTOSIS WITH RADIAL DEFECTS. Identifiers: Orphanet 1225, MedGen C0265308, MONDO:0009039, OMIM 218600.

Submission:

Labcorp Genetics (formerly Invitae), Labcorp
Classification: Uncertain significance for Baller-Gerold syndrome. Last evaluated: 2020-10-01. Review status: criteria provided, single submitter. Criteria: Invitae Variant Classification Sherloc (09022015). Collection method: clinical testing. Allele origin: germline.
Comment: This sequence change replaces aspartic acid with glutamic acid at codon 187 of the RECQL4 protein (p.Asp187Glu). The aspartic acid residue is highly conserved and there is a small physicochemical difference between aspartic acid and glutamic acid. This variant is not present in population databases (ExAC no frequency). This variant has not been reported in the literature in individuals with RECQL4-related conditions. Experimental studies and prediction algorithms are not available or were not evaluated, and the functional significance of this variant is currently unknown. In summary, the available evidence is currently insufficient to determine the role of this variant in disease. Therefore, it has been classified as a Variant of Uncertain Significance.